The following is an entry in ClinVar:

NM_025114.4(CEP290):c.3176T>A (p.Ile1059Lys)

Gene: CEP290 (centrosomal protein 290; minus strand). Cytogenetic location: 12q21.32.
Variant type: single nucleotide variant.
Coding change: c.3176T>A on transcript NM_025114.4 (MANE Select); coding-DNA position 3176, T replaced by A.
Protein change: p.Ile1059Lys; replaces isoleucine 1059 with lysine.
Molecular consequence: missense variant.
Genome position (GRCh38, 1-based): chr12:88,093,903, A>T on the plus strand (T>A on the coding strand, the complement: CEP290 is on the minus strand). VCF-style: chr12-88093903-A-T. GRCh37 (hg19) VCF-style: chr12-88487680-A-T.
Other names: short protein forms I1059K.
Identifiers: ClinVar variation 880716 (VCV000880716.11), dbSNP rs928926898, ClinGen allele CA241168766.

ClinVar aggregate classification (germline): Uncertain significance. Review status: criteria provided, multiple submitters, no conflicts (2 of 4 stars). 11 submissions from 7 submitters: Uncertain significance (10). 1 of the submissions does not count toward it. Last evaluated 2024-02-20.

Conditions:
Nephronophthisis. Also called: Juvenile Nephronophthisis. Identifiers: Orphanet 655, MedGen C0687120, MONDO:0019005, HP:0000090.
Joubert syndrome. Also called: JOUBERT-BOLTSHAUSER SYNDROME; Familial aplasia of the vermis. Identifiers: Orphanet 475, MedGen C5979921, MONDO:0018772.
Meckel-Gruber syndrome. Also called: GRUBER SYNDROME; Dysencephalia splachnocystica; DYSENCEPHALIA SPLANCHNOCYSTICA. Identifiers: Orphanet 564, MedGen C0265215, MONDO:0018921.
Meckel syndrome, type 4 (MKS4). Also called: MECKEL-GRUBER SYNDROME, TYPE 4. Identifiers: Orphanet 564, MedGen C1970161, MONDO:0012626, OMIM 611134.
CEP290-related disorder. Also called: CEP290-related condition; CEP290-related disorders. Identifiers: MedGen CN239314.
Inborn genetic diseases. Identifiers: MedGen C0950123, MeSH D030342.
Joubert syndrome 5 (JBTS5). Identifiers: Orphanet 2318, MedGen C1857780, MONDO:0012432, OMIM 610188.
Senior-Loken syndrome 6 (SLSN6). Identifiers: Orphanet 3156, MedGen C1857779, MONDO:0012433, OMIM 610189.
Leber congenital amaurosis 10 (LCA10). Identifiers: Orphanet 65, MedGen C1857821, MONDO:0012723, OMIM 611755.
Bardet-Biedl syndrome 14 (BBS14). Identifiers: Orphanet 110, MedGen C2673874, MONDO:0014442, OMIM 615991.

Allele frequency attached by ClinVar (database versions not stated): gnomAD 0.00001; gnomAD exomes 0.00002; TOPMed 0.00002.
gnomAD v4.1: 112 of 1,610,782 alleles (0.007%); highest among the groups gnomAD compares: Middle Eastern, 0.049%; no homozygotes.

Submissions (11):

Fulgent Genetics
Classification: Uncertain significance for Joubert syndrome 5; Senior-Loken syndrome 6; Meckel syndrome, type 4; Leber congenital amaurosis 10; Bardet-Biedl syndrome 14. Last evaluated: 2024-02-20. Review status: criteria provided, single submitter. Criteria: ACMG Guidelines, 2015. Collection method: clinical testing. Allele origin: germline.

Ambry Genetics
Classification: Uncertain significance for Inborn genetic diseases. Last evaluated: 2023-12-04. Review status: criteria provided, single submitter. Criteria: Ambry Variant Classification Scheme 2023. Collection method: clinical testing. Allele origin: germline.

Labcorp Genetics (formerly Invitae), Labcorp
Classification: Uncertain significance for Joubert syndrome; Meckel-Gruber syndrome; Nephronophthisis. Last evaluated: 2022-08-09. Review status: criteria provided, single submitter. Criteria: Invitae Variant Classification Sherloc (09022015). Collection method: clinical testing. Allele origin: germline.
Comment: This sequence change replaces isoleucine, which is neutral and non-polar, with lysine, which is basic and polar, at codon 1059 of the CEP290 protein (p.Ile1059Lys). This variant is present in population databases (no rsID available, gnomAD 0.004%). This variant has not been reported in the literature in individuals affected with CEP290-related conditions. ClinVar contains an entry for this variant (Variation ID: 880716). Algorithms developed to predict the effect of missense changes on protein structure and function are either unavailable or do not agree on the potential impact of this missense change (SIFT: "Deleterious"; PolyPhen-2: "Probably Damaging"; Align-GVGD: "Class C0"). In summary, the available evidence is currently insufficient to determine the role of this variant in disease. Therefore, it has been classified as a Variant of Uncertain Significance.

Blueprint Genetics
Classification: Uncertain significance. Last evaluated: 2022-01-04. Review status: criteria provided, single submitter. Criteria: ACMG Guidelines, 2015. Collection method: clinical testing. Allele origin: germline.

GeneDx
Classification: Uncertain significance. Last evaluated: 2020-01-06. Review status: criteria provided, single submitter. Criteria: GeneDx Variant Classification Process June 2021. Collection method: clinical testing. Allele origin: germline. Affected: yes.
Comment: In silico analysis, which includes protein predictors and evolutionary conservation, supports a deleterious effect; Has not been previously published as pathogenic or benign to our knowledge

Illumina Laboratory Services, Illumina
Classification: Uncertain significance for Senior-Loken syndrome 6. Last evaluated: 2017-04-27. Review status: criteria provided, single submitter. Criteria: ICSL Variant Classification Criteria 13 December 2019. Collection method: clinical testing. Allele origin: germline.

Illumina Laboratory Services, Illumina
Classification: Uncertain significance for Leber congenital amaurosis 10. Last evaluated: 2017-04-27. Review status: criteria provided, single submitter. Criteria: ICSL Variant Classification Criteria 13 December 2019. Collection method: clinical testing. Allele origin: germline.

Illumina Laboratory Services, Illumina
Classification: Uncertain significance for Meckel syndrome, type 4. Last evaluated: 2017-04-27. Review status: criteria provided, single submitter. Criteria: ICSL Variant Classification Criteria 13 December 2019. Collection method: clinical testing. Allele origin: germline.

Illumina Laboratory Services, Illumina
Classification: Uncertain significance for Joubert syndrome 5. Last evaluated: 2017-04-27. Review status: criteria provided, single submitter. Criteria: ICSL Variant Classification Criteria 13 December 2019. Collection method: clinical testing. Allele origin: germline.

Illumina Laboratory Services, Illumina
Classification: Uncertain significance for Bardet-Biedl syndrome 14. Last evaluated: 2017-04-27. Review status: criteria provided, single submitter. Criteria: ICSL Variant Classification Criteria 13 December 2019. Collection method: clinical testing. Allele origin: germline.

PreventionGenetics, part of Exact Sciences
Classification: Uncertain significance for CEP290-related condition. Last evaluated: 2024-08-08. Review status: no assertion criteria provided. Collection method: clinical testing. Allele origin: germline. Not counted in ClinVar's aggregate classification.
Comment: The CEP290 c.3176T>A variant is predicted to result in the amino acid substitution p.Ile1059Lys. To our knowledge, this variant has not been reported in the literature. This variant is reported in 0.0042% of alleles in individuals of African descent in gnomAD. At this time, the clinical significance of this variant is uncertain due to the absence of conclusive functional and genetic evidence.